The following is an entry in ClinVar:

ClinVar aggregate classification (germline): Uncertain significance. Review status: criteria provided, multiple submitters, no conflicts (2 of 4 stars). 5 submissions from 5 submitters: Uncertain significance (4). 1 of the submissions does not count toward it. Last evaluated 2022-09-13.

Conditions:
Glycogen storage disease type III (GSD3). Also called: FORBES DISEASE; Cori disease. Identifiers: Orphanet 366, MedGen C0017922, MONDO:0009291, OMIM 232400.
Inborn genetic diseases. Identifiers: MedGen C0950123, MeSH D030342.

Allele frequency attached by ClinVar (database versions not stated): TOPMed below 0.00001; gnomAD 0.00001.
gnomAD v4.1: 4 of 1,613,832 alleles (0.00025%); highest among the groups gnomAD compares: Non-Finnish European, 0.00034%; no homozygotes.

Submissions (5):

Labcorp Genetics (formerly Invitae), Labcorp
Classification: Uncertain significance for Glycogen storage disease type III. Last evaluated: 2022-09-13. Review status: criteria provided, single submitter. Criteria: Invitae Variant Classification Sherloc (09022015). Collection method: clinical testing. Allele origin: germline.
Comment: This sequence change replaces alanine, which is neutral and non-polar, with glycine, which is neutral and non-polar, at codon 273 of the AGL protein (p.Ala273Gly). This variant is not present in population databases (gnomAD no frequency). This variant has not been reported in the literature in individuals affected with AGL-related conditions. ClinVar contains an entry for this variant (Variation ID: 842722). Advanced modeling of protein sequence and biophysical properties (such as structural, functional, and spatial information, amino acid conservation, physicochemical variation, residue mobility, and thermodynamic stability) performed at Invitae indicates that this missense variant is not expected to disrupt AGL protein function. Algorithms developed to predict the effect of sequence changes on RNA splicing suggest that this variant may create or strengthen a splice site. In summary, the available evidence is currently insufficient to determine the role of this variant in disease. Therefore, it has been classified as a Variant of Uncertain Significance.

Ambry Genetics
Classification: Uncertain significance for Inborn genetic diseases. Last evaluated: 2022-07-13. Review status: criteria provided, single submitter. Criteria: Ambry Variant Classification Scheme 2023. Collection method: clinical testing. Allele origin: germline.

Genome-Nilou Lab
Classification: Uncertain significance for Glycogen storage disease type III. Last evaluated: 2021-07-15. Review status: criteria provided, single submitter. Criteria: ACMG Guidelines, 2015. Collection method: clinical testing. Allele origin: germline. Affected: no.

Illumina Laboratory Services, Illumina
Classification: Uncertain significance for Glycogen storage disease type III. Last evaluated: 2018-01-12. Review status: criteria provided, single submitter. Criteria: ICSL Variant Classification Criteria 13 December 2019. Collection method: clinical testing. Allele origin: germline.

Natera, Inc.
Classification: Uncertain significance for Glycogen storage disease type III. Last evaluated: 2020-10-29. Review status: no assertion criteria provided. Collection method: clinical testing. Allele origin: germline. Not counted in ClinVar's aggregate classification.

NM_000642.3(AGL):c.818C>G (p.Ala273Gly)

Gene: AGL (amylo-alpha-1,6-glucosidase and 4-alpha-glucanotransferase; plus strand). Cytogenetic location: 1p21.2.
Variant type: single nucleotide variant.
Coding change: c.818C>G on transcript NM_000642.3 (MANE Select); coding-DNA position 818, C replaced by G.
Protein change: p.Ala273Gly; replaces alanine 273 with glycine.
Molecular consequence: missense variant.
Genome position (GRCh38, 1-based): chr1:99,870,553, C>G. VCF-style: chr1-99870553-C-G. GRCh37 (hg19) VCF-style: chr1-100336109-C-G.
Other names: c.818C>G, p.Ala273Gly (NM_000028.3, NM_000643.3, NM_000644.3 and 3 more transcripts); c.770C>G, p.Ala257Gly (NM_000646.3); c.614C>G, p.Ala205Gly (NM_001425328.1, NM_001425329.1); c.440C>G, p.Ala147Gly (NM_001425332.1); short protein forms A257G, A273G, A147G, A205G.
Identifiers: ClinVar variation 842722 (VCV000842722.13), dbSNP rs943273443, ClinGen allele CA27568831.
Genomic context (GRCh38, chr1:99,870,553, plus strand): 5'-CACTTTGGCGTTTCTCCTGTGATGTTGCAGAAGGGAAATACAAAGAAAAGGGAATACCTG[C>G]TTTGATTGAAAATGATCACCATATGAATGTCAGTATGTACAGAGGAGTATCACACTAAAA-3'
Protein context (NP_000633.2, residues 263-283): EGKYKEKGIP[Ala273Gly]LIENDHHMNS